The following is an entry in ClinVar:

ClinVar aggregate classification (germline): Likely benign. Review status: criteria provided, multiple submitters, no conflicts (2 of 4 stars). 3 submissions from 3 submitters: Likely benign (3). Last evaluated 2025-02-03.

Allele frequency attached by ClinVar (database versions not stated): gnomAD 0.00001; TOPMed 0.00002.
gnomAD v4.1: 24 of 1,258,720 alleles (0.0019%); highest among the groups gnomAD compares: South Asian, 0.017%; no homozygotes.

Submissions (3):

Labcorp Genetics (formerly Invitae), Labcorp
Classification: Likely benign. Last evaluated: 2025-02-03. Review status: criteria provided, single submitter. Criteria: Invitae Variant Classification Sherloc (09022015). Collection method: clinical testing. Allele origin: germline.

Blueprint Genetics
Classification: Likely benign. Last evaluated: 2024-09-15. Review status: criteria provided, single submitter. Criteria: ACMG Guidelines, 2015. Collection method: clinical testing. Allele origin: germline.

CeGaT Center for Human Genetics Tuebingen
Classification: Likely benign. Last evaluated: 2022-06-01. Review status: criteria provided, single submitter. Criteria: CeGaT Center For Human Genetics Tuebingen Variant Classification Criteria Version 2. Collection method: clinical testing. Allele origin: germline. Affected: yes. Observed: 1 variant allele.
Comment: CTDP1: BP4, BP7

NM_004715.5(CTDP1):c.96G>C (p.Leu32=)

Gene: CTDP1 (CTD phosphatase 1; plus strand). Cytogenetic location: 18q23.
Variant type: single nucleotide variant.
Coding change: c.96G>C on transcript NM_004715.5 (MANE Select); coding-DNA position 96, G replaced by C.
Protein change: p.Leu32=; no amino-acid change (leucine 32 retained).
Molecular consequence: synonymous variant.
Genome position (GRCh38, 1-based): chr18:79,680,043, G>C. VCF-style: chr18-79680043-G-C. GRCh37 (hg19) VCF-style: chr18-77440043-G-C.
Other names: c.96G>C, p.Leu32= (NM_001318511.2, NM_048368.4).
Identifiers: ClinVar variation 2072358 (VCV002072358.29), dbSNP rs765360553, ClinGen allele CA9009884.